The following is an entry in ClinVar:

NM_000492.4(CFTR):c.2620-583C>T

Gene: CFTR (CF transmembrane conductance regulator; plus strand). Cytogenetic location: 7q31.2.
Variant type: single nucleotide variant.
Coding change: c.2620-583C>T on transcript NM_000492.4 (MANE Select); 583 bases into the intron before coding-DNA position 2620, C replaced by T.
Molecular consequence: intron variant.
Genome position (GRCh38, 1-based): chr7:117,602,243, C>T. VCF-style: chr7-117602243-C-T. GRCh37 (hg19) VCF-style: chr7-117242297-C-T.
Identifiers: ClinVar variation 1162236 (VCV001162236.1), dbSNP rs781023677, ClinGen allele CA164954359.

ClinVar aggregate classification (germline): Uncertain significance (1 of 4 stars; one submission).

Conditions:
Cystic fibrosis (CF). Also called: MUCOVISCIDOSIS. Identifiers: Orphanet 586, MedGen C0010674, MONDO:0009061, OMIM 219700. Disease mechanism: loss of function.

Allele frequency attached by ClinVar (database versions not stated): gnomAD 0.00040 and 0.00038; TOPMed 0.00043.
gnomAD v4.1: 61 of 152,208 alleles (0.04%); highest among the groups gnomAD compares: Non-Finnish European, 0.076%; no homozygotes.

Submission:

Johns Hopkins Genomics, Johns Hopkins University
Classification: Uncertain significance for Cystic fibrosis. Last evaluated: 2021-05-07. Review status: criteria provided, single submitter. Criteria: ACMG Guidelines, 2015. Collection method: clinical testing. Allele origin: germline.
Comment: This deep intronic CFTR variant (rs781023677) is present in a large population dataset (gnomAD: 7/31394 total alleles; 0.02%; no homozygotes). It has not been reported in ClinVar nor the literature, to our knowledge. Two bioinformatic tools predict that this variant may create a weak cryptic donor acceptor site, while two predict that it would not affect normal splicing. The impact of this variant on CFTR splicing has not been assessed experimentally to our knowledge. We consider the clinical significance of c.2620-583C>T to be uncertain at this time.

Literature cited by the submitters: PubMed 30661751.